The following is an entry in ClinVar:

NM_002692.4(POLE2):c.1018+8C>T

Gene: POLE2 (DNA polymerase epsilon 2, accessory subunit; minus strand). Cytogenetic location: 14q21.3.
Variant type: single nucleotide variant.
Coding change: c.1018+8C>T on transcript NM_002692.4 (MANE Select); 8 bases into the intron after coding-DNA position 1018, C replaced by T.
Molecular consequence: intron variant.
Genome position (GRCh38, 1-based): chr14:49,654,997, G>A on the plus strand (C>T on the coding strand, the complement: POLE2 is on the minus strand). VCF-style: chr14-49654997-G-A. GRCh37 (hg19) VCF-style: chr14-50121715-G-A.
Other names: c.940+8C>T (NM_001197330.2); c.1018+8C>T (NM_001348384.2, NM_001197331.3, NM_002692.3); c.787+8C>T (NM_001348385.2).
Identifiers: ClinVar variation 1083815 (VCV001083815.35), dbSNP rs45458994, ClinGen allele CA7173426.

ClinVar aggregate classification (germline): Likely benign. Review status: criteria provided, multiple submitters, no conflicts (2 of 4 stars). 5 submissions from 5 submitters: Likely benign (4). 1 of the submissions does not count toward it. Last evaluated 2026-01-27.

Conditions:
POLE2-related disorder. Also called: POLE2-related condition.

Allele frequency attached by ClinVar (database versions not stated): ESP Exome Variant Server 0.00077; gnomAD 0.00103 and 0.00120; TOPMed 0.00120; 1000 Genomes Project 30x 0.00125; 1000 Genomes Project 0.00140; gnomAD exomes 0.00165; ExAC 0.00217.
gnomAD v4.1: 1,697 of 1,519,262 alleles (0.11%); highest among the groups gnomAD compares: Middle Eastern, 1.3%; 9 homozygotes.

Submissions (5):

Labcorp Genetics (formerly Invitae), Labcorp
Classification: Likely benign. Last evaluated: 2026-01-27. Review status: criteria provided, single submitter. Criteria: Invitae Variant Classification Sherloc (09022015). Collection method: clinical testing. Allele origin: germline.

Blueprint Genetics
Classification: Likely benign. Last evaluated: 2024-11-22. Review status: criteria provided, single submitter. Criteria: ACMG Guidelines, 2015. Collection method: clinical testing. Allele origin: germline.

CeGaT Center for Human Genetics Tuebingen
Classification: Likely benign. Last evaluated: 2022-11-01. Review status: criteria provided, single submitter. Criteria: CeGaT Center For Human Genetics Tuebingen Variant Classification Criteria Version 2. Collection method: clinical testing. Allele origin: germline. Affected: yes. Observed: 1 variant allele.
Comment: POLE2: BP4, BS2

Breakthrough Genomics
Classification: Likely benign. Review status: criteria provided, single submitter. Criteria: ACMG Guidelines, 2015. Collection method: not provided. Allele origin: germline. Inheritance: Unknown mechanism. Affected: yes.

PreventionGenetics, part of Exact Sciences
Classification: Likely benign for POLE2-related condition. Last evaluated: 2020-02-19. Review status: no assertion criteria provided. Collection method: clinical testing. Allele origin: germline. Not counted in ClinVar's aggregate classification.
Comment: This variant is classified as likely benign based on ACMG/AMP sequence variant interpretation guidelines (Richards et al. 2015 PMID: 25741868, with internal and published modifications).